The following is an entry in ClinVar:

NM_002230.4(JUP):c.1222C>T (p.Leu408Phe)

Gene: JUP (junction plakoglobin; minus strand). Cytogenetic location: 17q21.2.
Variant type: single nucleotide variant.
Coding change: c.1222C>T on transcript NM_002230.4 (MANE Select); coding-DNA position 1222, C replaced by T.
Protein change: p.Leu408Phe; replaces leucine 408 with phenylalanine.
Molecular consequence: missense variant.
Genome position (GRCh38, 1-based): chr17:41,763,258, G>A on the plus strand (C>T on the coding strand, the complement: JUP is on the minus strand). VCF-style: chr17-41763258-G-A. GRCh37 (hg19) VCF-style: chr17-39919510-G-A.
Other names: c.1222C>T, p.Leu408Phe (NM_001352773.2, NM_001352774.2, NM_001352775.2 and 3 more transcripts); short protein forms L408F.
Identifiers: ClinVar variation 409988 (VCV000409988.15), dbSNP rs369755953, ClinGen allele CA8565250.
Genomic context (GRCh38, chr17:41,763,258, plus strand): 5'-GCGTCTTGTTCTTGCTGTTGTTGCATGTCAGGTTGGAGAGTGTGCCCGTGGCACAGGTGA[G>A]GACGTTGACGTCATCCACACTCAGCTGATTCACCAGAATCTTCAGCACACTCTCCAGGCC-3'
Protein context (NP_002221.1, residues 398-418): NQLSVDDVNV[Leu408Phe]TCATGTLSNL

ClinVar aggregate classification (germline): Conflicting classifications of pathogenicity. Review status: criteria provided, conflicting classifications (1 of 4 stars). 4 submissions from 4 submitters: Uncertain significance (3); Likely benign (1). Last evaluated 2025-07-01.

Conditions:
Cardiovascular phenotype. Identifiers: MedGen CN230736.
Arrhythmogenic right ventricular dysplasia 12. Also called: ARRHYTHMOGENIC RIGHT VENTRICULAR DYSPLASIA, FAMILIAL, 12. Identifiers: MedGen C1969081, MONDO:0012684, OMIM 611528.
Naxos disease (NXD). Also called: KERATOSIS PALMOPLANTARIS WITH ARRHYTHMOGENIC CARDIOMYOPATHY; MAL DE NAXOS; PALMOPLANTAR KERATODERMA WITH ARRHYTHMOGENIC RIGHT VENTRICULAR CARDIOMYOPATHY AND WOOLLY HAIR; WOOLLY HAIR, PALMOPLANTAR KERATODERMA, AND CARDIAC ABNORMALITIES; CARDIOMYOPATHY, ARRHYTHMOGENIC RIGHT VENTRICULAR, WITH SKIN, HAIR, AND NAIL ABNORMALITIES. Identifiers: Orphanet 34217, MedGen C1832600, MONDO:0011017, OMIM 601214.

Allele frequency attached by ClinVar (database versions not stated): gnomAD exomes 0.00001 and 0.00002; ExAC 0.00002; TOPMed 0.00002; gnomAD 0.00003; ESP Exome Variant Server 0.00008.

Submissions (4):

Labcorp Genetics (formerly Invitae), Labcorp
Classification: Uncertain significance for Arrhythmogenic right ventricular dysplasia 12; Naxos disease. Last evaluated: 2025-07-01. Review status: criteria provided, single submitter. Criteria: Invitae Variant Classification Sherloc (09022015). Collection method: clinical testing. Allele origin: germline.
Comment: This sequence change replaces leucine, which is neutral and non-polar, with phenylalanine, which is neutral and non-polar, at codon 408 of the JUP protein (p.Leu408Phe). This variant is present in population databases (rs369755953, gnomAD 0.009%). This variant has not been reported in the literature in individuals affected with JUP-related conditions. ClinVar contains an entry for this variant (Variation ID: 409988). An algorithm developed to predict the effect of missense changes on protein structure and function (PolyPhen-2) suggests that this variant is likely to be disruptive. In summary, the available evidence is currently insufficient to determine the role of this variant in disease. Therefore, it has been classified as a Variant of Uncertain Significance.

Blueprint Genetics
Classification: Uncertain significance. Last evaluated: 2023-09-18. Review status: criteria provided, single submitter. Criteria: ACMG Guidelines, 2015. Collection method: clinical testing. Allele origin: germline.

GeneDx
Classification: Uncertain significance. Last evaluated: 2023-08-03. Review status: criteria provided, single submitter. Criteria: GeneDx Variant Classification Process June 2021. Collection method: clinical testing. Allele origin: germline. Affected: yes.
Comment: Has not been previously published as pathogenic or benign to our knowledge; In silico analysis supports that this missense variant does not alter protein structure/function; This variant is associated with the following publications: (PMID: 25363760)

Ambry Genetics
Classification: Likely benign for Cardiovascular phenotype. Last evaluated: 2021-11-15. Review status: criteria provided, single submitter. Criteria: Ambry Variant Classification Scheme 2023. Collection method: clinical testing. Allele origin: germline.

Literature cited by the submitters: PubMed 25363760 (cited by Ambry Genetics).